The following is an entry in ClinVar:

NM_001378454.1(ALMS1):c.10465C>T (p.His3489Tyr)

Gene: ALMS1 (ALMS1 centrosome and basal body associated protein; plus strand). Cytogenetic location: 2p13.1.
Variant type: single nucleotide variant.
Coding change: c.10465C>T on transcript NM_001378454.1 (MANE Select); coding-DNA position 10465, C replaced by T.
Protein change: p.His3489Tyr; replaces histidine 3489 with tyrosine.
Molecular consequence: missense variant.
Genome position (GRCh38, 1-based): chr2:73,572,342, C>T. VCF-style: chr2-73572342-C-T. GRCh37 (hg19) VCF-style: chr2-73799469-C-T.
Other names: c.10468C>T, p.His3490Tyr (NM_015120.4); short protein forms H3489Y, H3490Y.
Identifiers: ClinVar variation 3356786 (VCV003356786.1).

ClinVar aggregate classification (germline): Uncertain significance (0 of 4 stars; one submission).

Conditions:
ALMS1-related disorder. Also called: ALMS1-related condition.

Submission:

PreventionGenetics, part of Exact Sciences
Classification: Uncertain significance for ALMS1-related condition. Last evaluated: 2024-07-11. Review status: no assertion criteria provided. Collection method: clinical testing. Allele origin: germline.
Comment: The ALMS1 c.10468C>T variant is predicted to result in the amino acid substitution p.Pro3490Ser. To our knowledge, this variant has not been reported in the literature or in a large population database, indicating this variant is rare. At this time, the clinical significance of this variant is uncertain due to the absence of conclusive functional and genetic evidence.